The following is an entry in ClinVar:

ClinVar aggregate classification (germline): Uncertain significance (1 of 4 stars; one submission).

Conditions:
Chédiak-Higashi syndrome (CHS). Also called: Chediak-Higashi Syndrome. Identifiers: Orphanet 167, MedGen C0007965, MONDO:0008963, OMIM 214500.

Allele frequency attached by ClinVar (database versions not stated): gnomAD 0.00001; gnomAD exomes 0.00001; TOPMed 0.00001; ExAC 0.00002; ESP Exome Variant Server 0.00008.
gnomAD v4.1: 10 of 1,613,908 alleles (0.00062%); highest among the groups gnomAD compares: South Asian, 0.0011%; no homozygotes.

Submission:

Labcorp Genetics (formerly Invitae), Labcorp
Classification: Uncertain significance for Chédiak-Higashi syndrome. Last evaluated: 2021-09-01. Review status: criteria provided, single submitter. Criteria: Invitae Variant Classification Sherloc (09022015). Collection method: clinical testing. Allele origin: germline.
Comment: This sequence change replaces isoleucine with valine at codon 944 of the LYST protein (p.Ile944Val). The isoleucine residue is weakly conserved and there is a small physicochemical difference between isoleucine and valine. This variant is present in population databases (rs373671757, ExAC 0.003%). This variant has not been reported in the literature in individuals affected with LYST-related conditions. Algorithms developed to predict the effect of missense changes on protein structure and function output the following: SIFT: "Tolerated"; PolyPhen-2: "Benign"; Align-GVGD: "Class C0". The valine amino acid residue is found in multiple mammalian species, which suggests that this missense change does not adversely affect protein function. In summary, the available evidence is currently insufficient to determine the role of this variant in disease. Therefore, it has been classified as a Variant of Uncertain Significance.

NM_000081.4(LYST):c.2830A>G (p.Ile944Val)

Gene: LYST (lysosomal trafficking regulator; minus strand). Cytogenetic location: 1q42.3.
Variant type: single nucleotide variant.
Coding change: c.2830A>G on transcript NM_000081.4 (MANE Select); coding-DNA position 2830, A replaced by G.
Protein change: p.Ile944Val; replaces isoleucine 944 with valine.
Molecular consequence: missense variant.
Genome position (GRCh38, 1-based): chr1:235,806,306, T>C on the plus strand (A>G on the coding strand, the complement: LYST is on the minus strand). VCF-style: chr1-235806306-T-C. GRCh37 (hg19) VCF-style: chr1-235969606-T-C.
Other names: c.2830A>G, p.Ile944Val (NM_001301365.1); short protein forms I944V.
Identifiers: ClinVar variation 949978 (VCV000949978.7), dbSNP rs373671757, ClinGen allele CA1467200.